The following is an entry in ClinVar:

NM_000718.4(CACNA1B):c.6272C>G (p.Pro2091Arg)

Gene: CACNA1B (calcium voltage-gated channel subunit alpha1 B; plus strand). Cytogenetic location: 9q34.3.
Variant type: single nucleotide variant.
Coding change: c.6272C>G on transcript NM_000718.4 (MANE Select); coding-DNA position 6272, C replaced by G.
Protein change: p.Pro2091Arg; replaces proline 2091 with arginine.
Molecular consequence: missense variant.
Genome position (GRCh38, 1-based): chr9:138,120,664, C>G. VCF-style: chr9-138120664-C-G. GRCh37 (hg19) VCF-style: chr9-141015116-C-G.
Other names: c.6272C>G, p.Pro2091Arg (NM_001243812.2); short protein forms P2091R.
Identifiers: ClinVar variation 1721532 (VCV001721532.5), dbSNP rs746163681, ClinGen allele CA375822757.
Genomic context (GRCh38, chr9:138,120,664, plus strand): 5'-TGCTAACTTCTTCTCTTCCCTGGCCAGCACCAAGCAGTGCTGTGGGGCCGGGGCTGCCCC[C>G]GGGAGAGGGGCCTACAGGCTGCCGGCGGGAACGAGAGCGCCGGCAGGAGCGGGGCCGGTC-3'
Protein context (NP_000709.1, residues 2081-2101): PSSAVGPGLP[Pro2091Arg]GEGPTGCRRE

ClinVar aggregate classification (germline): Uncertain significance (1 of 4 stars; one submission).

gnomAD v4.1: 1 of 1,508,346 alleles (0.000066%); highest among the groups gnomAD compares: Admixed American, 0.0026%; no homozygotes.

Submission:

Labcorp Genetics (formerly Invitae), Labcorp
Classification: Uncertain significance. Last evaluated: 2022-10-13. Review status: criteria provided, single submitter. Criteria: Invitae Variant Classification Sherloc (09022015). Collection method: clinical testing. Allele origin: germline.
Comment: In summary, the available evidence is currently insufficient to determine the role of this variant in disease. Therefore, it has been classified as a Variant of Uncertain Significance. Advanced modeling of protein sequence and biophysical properties (such as structural, functional, and spatial information, amino acid conservation, physicochemical variation, residue mobility, and thermodynamic stability) performed at Invitae indicates that this missense variant is not expected to disrupt CACNA1B protein function. This variant has not been reported in the literature in individuals affected with CACNA1B-related conditions. The frequency data for this variant in the population databases is considered unreliable, as metrics indicate poor data quality at this position in the gnomAD database. This sequence change replaces proline, which is neutral and non-polar, with arginine, which is basic and polar, at codon 2091 of the CACNA1B protein (p.Pro2091Arg).